The following is an entry in ClinVar:

ClinVar aggregate classification (germline): Benign. Review status: criteria provided, multiple submitters, no conflicts (2 of 4 stars). 11 submissions from 9 submitters: Benign (9). 2 of the submissions do not count toward it. Last evaluated 2026-02-04.

Conditions:
Cranium bifidum occultum. Also called: Enlarged Parietal Foramina; CATLIN MARKS; CRANIUM BIFIDUM, HEREDITARY. Identifiers: MedGen C1868598, HP:0004423.
Craniosynostosis 2 (CRS2). Also called: Craniosynostosis Warman type; Craniosynostosis Boston type; Warman-Mulliken-Hayward syndrome. Identifiers: Orphanet 1541, MedGen C1858160, MONDO:0011481, OMIM 604757.
Parietal foramina 1 (PFM1). Also called: FORAMINA PARIETALIA PERMAGNA; PARIETAL FORAMINA, SYMMETRIC. Identifiers: Orphanet 60015, MedGen C1868599, MONDO:0008197, OMIM 168500.

Allele frequency attached by ClinVar (database versions not stated): 1000 Genomes Project 30x 0.75359; ESP Exome Variant Server 0.75527; TOPMed 0.76108; 1000 Genomes Project 0.76577; gnomAD 0.78320.

Submissions (11):

Labcorp Genetics (formerly Invitae), Labcorp
Classification: Benign for Cranium bifidum occultum. Last evaluated: 2026-02-04. Review status: criteria provided, single submitter. Criteria: Invitae Variant Classification Sherloc (09022015). Collection method: clinical testing. Allele origin: germline.

Blueprint Genetics
Classification: Benign. Last evaluated: 2024-11-26. Review status: criteria provided, single submitter. Criteria: ACMG Guidelines, 2015. Collection method: clinical testing. Allele origin: germline.

Genome-Nilou Lab
Classification: Benign for Craniosynostosis 2. Last evaluated: 2021-09-05. Review status: criteria provided, single submitter. Criteria: ACMG Guidelines, 2015. Collection method: clinical testing. Allele origin: germline. Affected: no.

Genome-Nilou Lab
Classification: Benign for Parietal foramina 1. Last evaluated: 2021-09-05. Review status: criteria provided, single submitter. Criteria: ACMG Guidelines, 2015. Collection method: clinical testing. Allele origin: germline. Affected: no.

Mendelics
Classification: Benign for Parietal foramina 1. Last evaluated: 2019-05-28. Review status: criteria provided, single submitter. Criteria: Mendelics Assertion Criteria 2017. Collection method: clinical testing. Allele origin: unknown.

GeneDx
Classification: Benign. Last evaluated: 2018-10-17. Review status: criteria provided, single submitter. Criteria: GeneDx Variant Classification Process June 2021. Collection method: clinical testing. Allele origin: germline. Affected: yes.
Comment: This variant is associated with the following publications: (PMID: 21362336)

Illumina Laboratory Services, Illumina
Classification: Benign for Craniosynostosis 2. Last evaluated: 2018-03-06. Review status: criteria provided, single submitter. Criteria: ICSL Variant Classification Criteria 13 December 2019. Collection method: clinical testing. Allele origin: germline.
Comment: This variant was observed in the ICSL laboratory as part of a predisposition screen in an ostensibly healthy population. It had not been previously curated by ICSL or reported in the Human Gene Mutation Database (HGMD: prior to June 1st, 2018), and was therefore a candidate for classification through an automated scoring system. Utilizing variant allele frequency, disease prevalence and penetrance estimates, and inheritance mode, an automated score was calculated to assess if this variant is too frequent to cause the disease. Based on the score and internal cut-off values, a variant classified as benign is not then subjected to further curation. The score for this variant resulted in a classification of benign for this disease.

Illumina Laboratory Services, Illumina
Classification: Benign for Parietal foramina 1. Last evaluated: 2018-03-06. Review status: criteria provided, single submitter. Criteria: ICSL Variant Classification Criteria 13 December 2019. Collection method: clinical testing. Allele origin: germline.
Comment: the same text as in the submission from Illumina Laboratory Services, Illumina above.

PreventionGenetics, part of Exact Sciences
Classification: Benign. Review status: criteria provided, single submitter. Criteria: ACMG Guidelines, 2015. Collection method: clinical testing. Allele origin: germline.

Clinical Genetics DNA and cytogenetics Diagnostics Lab, Erasmus MC, Erasmus Medical Center
Classification: Benign. Review status: no assertion criteria provided. Collection method: clinical testing. Allele origin: germline. Affected: yes. Study: VKGL Data-share Consensus. Not counted in ClinVar's aggregate classification.

Diagnostic Laboratory, Department of Genetics, University Medical Center Groningen
Classification: Benign. Review status: no assertion criteria provided. Collection method: clinical testing. Allele origin: germline. Affected: yes. Study: VKGL Data-share Consensus. Not counted in ClinVar's aggregate classification.

NM_002449.5(MSX2):c.386T>C (p.Met129Thr)

Gene: MSX2 (msh homeobox 2; plus strand). Cytogenetic location: 5q35.2.
Variant type: single nucleotide variant.
Coding change: c.386T>C on transcript NM_002449.5 (MANE Select); coding-DNA position 386, T replaced by C.
Protein change: p.Met129Thr; replaces methionine 129 with threonine.
Molecular consequence: missense variant. On other transcripts: 3 prime UTR variant (1).
Genome position (GRCh38, 1-based): chr5:174,729,165, T>C. VCF-style: chr5-174729165-T-C. GRCh37 (hg19) VCF-style: chr5-174156168-T-C.
Other names: c.*10T>C (NM_001363626.2); short protein forms M129T.
Identifiers: ClinVar variation 258657 (VCV000258657.23), dbSNP rs4242182, ClinGen allele CA3565193.
Genomic context (GRCh38, chr5:174,729,165, plus strand): 5'-TATTATTTTAATGTAACTTTCTTTTGCTAATCCGCTCCTCTCTCTGTTCTCTAGGACATA[T>C]GAGCCCTACCACCTGCACCCTGAGGAAACACAAGACCAATCGGAAGCCGCGCACGCCCTT-3'
Protein context (NP_002440.2, residues 119-139): PGRYSPPPRH[Met129Thr]SPTTCTLRKH